The following is an entry in ClinVar:

NM_003611.3(OFD1):c.620_622dup (p.Ile207_Glu208insVal)

Gene: OFD1 (OFD1 centriole and centriolar satellite protein; plus strand). Cytogenetic location: Xp22.2.
Variant type: Duplication.
Coding change: c.620_622dup on transcript NM_003611.3 (MANE Select); coding-DNA positions 620 to 622, 3 bases duplicated (TAG; older notation c.620_622dupTAG).
Protein change: p.Ile207_Glu208insVal.
Molecular consequence: inframe insertion.
Genome position (GRCh38, 1-based): chrX:13,746,421-13,746,423, TAG duplicated. VCF-style (leftmost placement, unchanged base first): chrX-13746420-A-ATAG. GRCh37 (hg19) VCF-style: chrX-13764539-A-ATAG.
Other names: c.620_622dup, p.Ile207_Glu208insVal (NM_001330209.2); c.200_202dup, p.Ile67_Glu68insVal (NM_001330210.2).
Identifiers: ClinVar variation 1057321 (VCV001057321.9), dbSNP rs2146968142, ClinGen allele CA2499226395.
Genomic context (GRCh38, chrX:13,746,420, plus strand): 5'-TACCCTCAGCGTATCAAGTTCGAATCTTTAGAAATAAAGCTAAATGAGTATAAGAGAGAA[A>ATAG]TAGAAGAGCAACTTCGGGCAGAAATGTGTCAAAAGGTAAGCTTTATCTTGTTACTGTAAA-3'

ClinVar aggregate classification (germline): Uncertain significance (1 of 4 stars; one submission).

Conditions:
Joubert syndrome. Also called: Familial aplasia of the vermis; CEREBELLOPARENCHYMAL DISORDER IV; JOUBERT-BOLTSHAUSER SYNDROME. Identifiers: Orphanet 475, MedGen C5979921, MONDO:0018772.
Orofaciodigital syndrome I (OFD1). Also called: Papillon-Leage and Psaume Syndrome; Oral-Facial-Digital Syndrome Type I; OFDS I. Identifiers: Orphanet 2750, MedGen C1510460, MONDO:0010702, OMIM 311200.

Submission:

Labcorp Genetics (formerly Invitae), Labcorp
Classification: Uncertain significance for Orofaciodigital syndrome I; Joubert syndrome. Last evaluated: 2018-05-30. Review status: criteria provided, single submitter. Criteria: Invitae Variant Classification Sherloc (09022015). Collection method: clinical testing. Allele origin: germline.
Comment: Experimental studies and prediction algorithms are not available for this variant, and the functional significance of the inserted amino acid is currently unknown. This variant has not been reported in the literature in individuals with OFD1-related disease. This variant is not present in population databases (ExAC no frequency). This variant, c.620_622dupTAG, results in the insertion of 1 amino acid to the OFD1 protein (p.Ile207_Glu208insVal), but otherwise preserves the integrity of the reading frame. In summary, the available evidence is currently insufficient to determine the role of this variant in disease. Therefore, it has been classified as a Variant of Uncertain Significance.